The following is an entry in ClinVar:

ClinVar aggregate classification (germline): Uncertain significance (1 of 4 stars; one submission).

Conditions:
ALG1-congenital disorder of glycosylation. Also called: ALG1-CDG; CONGENITAL DISORDER OF GLYCOSYLATION, TYPE Ik; CDG Ik. Identifiers: Orphanet 79327, MedGen C2931005, MONDO:0012052, OMIM 608540.

gnomAD v4.1: 1 of 1,614,138 alleles (0.000062%); highest among the groups gnomAD compares: Non-Finnish European, 0.000085%; no homozygotes.

Submission:

Labcorp Genetics (formerly Invitae), Labcorp
Classification: Uncertain significance for ALG1-congenital disorder of glycosylation. Last evaluated: 2021-11-21. Review status: criteria provided, single submitter. Criteria: Invitae Variant Classification Sherloc (09022015). Collection method: clinical testing. Allele origin: germline.
Comment: This sequence change replaces leucine, which is neutral and non-polar, with valine, which is neutral and non-polar, at codon 177 of the ALG1 protein (p.Leu177Val). This variant is present in population databases (no rsID available, gnomAD 0.0009%). This variant has not been reported in the literature in individuals affected with ALG1-related conditions. Algorithms developed to predict the effect of missense changes on protein structure and function (SIFT, PolyPhen-2, Align-GVGD) all suggest that this variant is likely to be tolerated. In summary, the available evidence is currently insufficient to determine the role of this variant in disease. Therefore, it has been classified as a Variant of Uncertain Significance.

NM_019109.5(ALG1):c.529C>G (p.Leu177Val)

Gene: ALG1 (ALG1 chitobiosyldiphosphodolichol beta-mannosyltransferase; plus strand). Cytogenetic location: 16p13.3.
Variant type: single nucleotide variant.
Coding change: c.529C>G on transcript NM_019109.5 (MANE Select); coding-DNA position 529, C replaced by G.
Protein change: p.Leu177Val; replaces leucine 177 with valine.
Molecular consequence: missense variant.
Genome position (GRCh38, 1-based): chr16:5,075,526, C>G. VCF-style: chr16-5075526-C-G. GRCh37 (hg19) VCF-style: chr16-5125527-C-G.
Other names: c.196C>G, p.Leu66Val (NM_001330504.2); short protein forms L66V, L177V.
Identifiers: ClinVar variation 1380984 (VCV001380984.1), dbSNP rs200194917, ClinGen allele CA394680879.